The following is an entry in ClinVar:

NM_001039672.3(YIF1B):c.297+1G>A

Gene: YIF1B (Yip1 interacting factor homolog B, membrane trafficking protein; minus strand). Cytogenetic location: 19q13.2.
Variant type: single nucleotide variant.
Coding change: c.297+1G>A on transcript NM_001039672.3 (MANE Select); the canonical splice donor site of the intron after coding-DNA position 297, G replaced by A.
Molecular consequence: splice donor variant.
Genome position (GRCh38, 1-based): chr19:38,309,404, C>T on the plus strand (G>A on the coding strand, the complement: YIF1B is on the minus strand). VCF-style: chr19-38309404-C-T. GRCh37 (hg19) VCF-style: chr19-38800044-C-T.
Other names: c.288+1G>A (NM_001039673.3, NM_001145463.2); c.204+1G>A (NM_001145462.2); c.246+1G>A (NM_001145461.2); c.252+1G>A (NM_001039671.3).
Identifiers: ClinVar variation 4292968 (VCV004292968.1).
Genomic context (GRCh38, chr19:38,309,404, plus strand): 5'-TCAAGTCTGAAGCCCTGTGGCCCCGTGCATCCCCCCACTCCCACCAGCCCCGCCCACTCA[C>T]GTTCTTATCCACCAGCTCCTTGCCCTGCGCGGCCAGGCTGCTCCCATAGGCCATGGCCAT-3'

ClinVar aggregate classification (germline): Pathogenic (1 of 4 stars; one submission).

Conditions:
Kaya-Barakat-Masson syndrome. Also called: YIF1B-Related Neurodevelopmental Disorder. Identifiers: Orphanet 684240, MedGen C5436856, MONDO:0030878, OMIM 619125.

gnomAD v4.1: 3 of 1,612,490 alleles (0.00019%); highest among the groups gnomAD compares: East Asian, 0.0022%; no homozygotes.

Submission:

3billion
Classification: Pathogenic for Kaya-Barakat-Masson syndrome. Last evaluated: 2024-06-28. Review status: criteria provided, single submitter. Criteria: ACMG Guidelines, 2015. Collection method: clinical testing. Allele origin: germline. Affected: yes.
Comment: The variant is observed at an extremely low frequency in the gnomAD v4.0.0 dataset (total allele frequency: <0.001%). Predicted Consequence/Location: Canonical splice site: predicted to alter splicing and result in a loss or disruption of normal protein function. Multiple pathogenic loss-of-function variants are reported downstream of the variant. Therefore, this variant is classified as Pathogenic according to the recommendation of ACMG/AMP guideline.